The following is an entry in ClinVar:

NM_001360016.2(G6PD):c.645-8_645-5del

Gene: G6PD (glucose-6-phosphate dehydrogenase; minus strand). Cytogenetic location: Xq28.
Variant type: Microsatellite.
Coding change: c.645-8_645-5del on transcript NM_001360016.2 (MANE Select); 8 bases into the intron before coding-DNA position 645 through 5 bases into the intron before coding-DNA position 645, 4 bases deleted (CCCT; older notation c.645-8_645-5delCCCT).
Molecular consequence: intron variant.
Genome position (GRCh38, 1-based): chrX:154,534,165-154,534,168, AGGG deleted on the plus strand (CCCT on the coding strand, the reverse complement: G6PD is on the minus strand); deleting any 4 consecutive bases within chrX:154,534,165-154,534,172 gives the same sequence; the c. name uses the placement nearest the transcript's 3' end. VCF-style (leftmost placement, unchanged base first): chrX-154534164-CAGGG-C. GRCh37 (hg19) VCF-style: chrX-153762379-CAGGG-C.
Other names: c.735-8_735-5del (NM_000402.4); c.645-8_645-5del (NM_001042351.3); c.645-8_645-5delCCCT (NM_001042351.2).
Identifiers: ClinVar variation 799620 (VCV000799620.12), dbSNP rs782160396, ClinGen allele CA10566186.

ClinVar aggregate classification (germline): Benign/Likely benign. Review status: criteria provided, multiple submitters, no conflicts (2 of 4 stars). 3 submissions from 3 submitters: Benign (1); Likely benign (1). 1 of the submissions does not count toward it. Last evaluated 2025-09-28.

Conditions:
Anemia, nonspherocytic hemolytic, due to G6PD deficiency (CNSHA1). Also called: ANEMIA, CONGENITAL, NONSPHEROCYTIC HEMOLYTIC, 1; Hemolytic anemia due to G6PD deficiency; Class I glucose-6-phosphate dehydrogenase deficiency; Favism, susceptibility to. Identifiers: Orphanet 466026, MedGen C2720289, MONDO:0010480, OMIM 300908.
G6PD-related disorder. Also called: G6PD-related condition.

Submissions (3):

Labcorp Genetics (formerly Invitae), Labcorp
Classification: Benign for Anemia, nonspherocytic hemolytic, due to G6PD deficiency. Last evaluated: 2025-09-28. Review status: criteria provided, single submitter. Criteria: Invitae Variant Classification Sherloc (09022015). Collection method: clinical testing. Allele origin: germline.

ARUP Laboratories, Molecular Genetics and Genomics, ARUP Laboratories
Classification: Likely benign. Last evaluated: 2024-07-17. Review status: criteria provided, single submitter. Criteria: ARUP Molecular Germline Variant Investigation Process 2024. Collection method: clinical testing. Allele origin: germline.

PreventionGenetics, part of Exact Sciences
Classification: Likely benign for G6PD-related condition. Last evaluated: 2019-11-04. Review status: no assertion criteria provided. Collection method: clinical testing. Allele origin: germline. Not counted in ClinVar's aggregate classification.
Comment: This variant is classified as likely benign based on ACMG/AMP sequence variant interpretation guidelines (Richards et al. 2015 PMID: 25741868, with internal and published modifications).